The following is an entry in ClinVar:

ClinVar aggregate classification (germline): Uncertain significance (1 of 4 stars; one submission).

gnomAD v4.1: 7 of 1,613,912 alleles (0.00043%); no homozygotes.

Submission:

Labcorp Genetics (formerly Invitae), Labcorp
Classification: Uncertain significance. Last evaluated: 2023-08-06. Review status: criteria provided, single submitter. Criteria: Invitae Variant Classification Sherloc (09022015). Collection method: clinical testing. Allele origin: germline.
Comment: In summary, the available evidence is currently insufficient to determine the role of this variant in disease. Therefore, it has been classified as a Variant of Uncertain Significance. Advanced modeling of protein sequence and biophysical properties (such as structural, functional, and spatial information, amino acid conservation, physicochemical variation, residue mobility, and thermodynamic stability) performed at Invitae indicates that this missense variant is expected to disrupt LARS2 protein function. This variant has not been reported in the literature in individuals affected with LARS2-related conditions. This variant is present in population databases (rs556672032, gnomAD 0.009%). This sequence change replaces threonine, which is neutral and polar, with asparagine, which is neutral and polar, at codon 106 of the LARS2 protein (p.Thr106Asn).

NM_015340.4(LARS2):c.317C>A (p.Thr106Asn)

Gene: LARS2 (leucyl-tRNA synthetase 2, mitochondrial; plus strand). Cytogenetic location: 3p21.31.
Variant type: single nucleotide variant.
Coding change: c.317C>A on transcript NM_015340.4 (MANE Select); coding-DNA position 317, C replaced by A.
Protein change: p.Thr106Asn; replaces threonine 106 with asparagine.
Molecular consequence: missense variant.
Genome position (GRCh38, 1-based): chr3:45,400,327, C>A. VCF-style: chr3-45400327-C-A. GRCh37 (hg19) VCF-style: chr3-45441819-C-A.
Other names: c.317C>A, p.Thr106Asn (NM_001368263.1); short protein forms T106N.
Identifiers: ClinVar variation 2795746 (VCV002795746.3), dbSNP rs556672032, ClinGen allele CA73680426.